The following is an entry in ClinVar:

NM_000051.4(ATM):c.8192_8194delinsCC (p.Val2731fs)

Genes: ATM (ATM serine/threonine kinase; plus strand), C11orf65 (chromosome 11 open reading frame 65; minus strand). Cytogenetic location: 11q22.3.
Variant type: Indel.
Coding change: c.8192_8194delinsCC on transcript NM_000051.4 (MANE Select); coding-DNA positions 8192 to 8194, TCT replaced by CC.
Protein change: p.Val2731fs; shifts the reading frame from valine 2731.
Molecular consequence: frameshift variant. On other transcripts: intron variant (2).
Genome position (GRCh38, 1-based): chr11:108,335,885-108,335,887, TCT replaced by CC. VCF-style: chr11-108335885-TCT-CC. GRCh37 (hg19) VCF-style: chr11-108206612-TCT-CC.
Other names: c.8192_8194delTCTinsCC, p.Val2731Alafs (NM_000051.3); c.8192_8194delinsCC, p.Val2731fs (NM_001351834.2); c.641-26816_641-26814delinsGG (NM_001330368.2); c.695-595_695-593delinsGG (NM_001351110.2); short protein forms V2731fs.
Identifiers: ClinVar variation 965261 (VCV000965261.7), dbSNP rs2086789644, ClinGen allele CA1139662193.

ClinVar aggregate classification (germline): Pathogenic (1 of 4 stars; one submission).

Conditions:
Ataxia-telangiectasia syndrome (AT). Also called: Ataxia-telangiectasia, complementation group D; AT, COMPLEMENTATION GROUP C; ATAXIA-TELANGIECTASIA, COMPLEMENTATION GROUP A; ATAXIA-TELANGIECTASIA, FRESNO VARIANT; Ataxia-telangiectasia; Ataxia telangiectasia (A-T). Identifiers: Orphanet 100, MedGen C0004135, MONDO:0008840, OMIM 208900.

Submission:

Labcorp Genetics (formerly Invitae), Labcorp
Classification: Pathogenic for Ataxia-telangiectasia syndrome. Last evaluated: 2019-07-26. Review status: criteria provided, single submitter. Criteria: Invitae Variant Classification Sherloc (09022015). Collection method: clinical testing. Allele origin: germline.
Comment: For these reasons, this variant has been classified as Pathogenic. Loss-of-function variants in ATM are known to be pathogenic (PMID: 23807571, 25614872). This variant has not been reported in the literature in individuals with ATM-related conditions. This variant is not present in population databases (ExAC no frequency). This sequence change creates a premature translational stop signal (p.Val2731Alafs*20) in the ATM gene. It is expected to result in an absent or disrupted protein product.

Literature cited by the submitters: PubMed 23807571; PubMed 25614872.